The following is an entry in ClinVar:

NM_147127.5(EVC2):c.2510G>A (p.Cys837Tyr)

Gene: EVC2 (EvC ciliary complex subunit 2; minus strand). Cytogenetic location: 4p16.2.
Variant type: single nucleotide variant.
Coding change: c.2510G>A on transcript NM_147127.5 (MANE Select); coding-DNA position 2510, G replaced by A.
Protein change: p.Cys837Tyr; replaces cysteine 837 with tyrosine.
Molecular consequence: missense variant.
Genome position (GRCh38, 1-based): chr4:5,618,674, C>T on the plus strand (G>A on the coding strand, the complement: EVC2 is on the minus strand). VCF-style: chr4-5618674-C-T. GRCh37 (hg19) VCF-style: chr4-5620401-C-T.
Other names: c.2270G>A, p.Cys757Tyr (NM_001166136.2); short protein forms C757Y, C837Y.
Identifiers: ClinVar variation 4251539 (VCV004251539.2).

ClinVar aggregate classification (germline): Uncertain significance. Review status: criteria provided, multiple submitters, no conflicts (2 of 4 stars). 2 submissions from 2 submitters: Uncertain significance (2). Last evaluated 2026-01-27.

Conditions:
Inborn genetic diseases. Identifiers: MedGen C0950123, MeSH D030342.
Curry-Hall syndrome (WAD). Also called: WEYERS ACRODENTAL DYSOSTOSIS. Identifiers: Orphanet 952, MedGen C0457013, MONDO:0008673, OMIM 193530.
Ellis-van Creveld syndrome (EVC). Also called: EVC-Related Ellis-van Creveld Syndrome; EVC2-Related Ellis-van Creveld Syndrome; MESOECTODERMAL DYSPLASIA; Chondroectodermal dysplasia. Identifiers: Orphanet 289, MedGen C0013903, MONDO:0009162, OMIM 225500.

gnomAD v4.1: 7 of 1,598,322 alleles (0.00044%); highest among the groups gnomAD compares: African/African-American, 0.0013%; no homozygotes.

Submissions (2):

Labcorp Genetics (formerly Invitae), Labcorp
Classification: Uncertain significance for Curry-Hall syndrome; Ellis-van Creveld syndrome. Last evaluated: 2026-01-27. Review status: criteria provided, single submitter. Criteria: Invitae Variant Classification Sherloc (09022015). Collection method: clinical testing. Allele origin: germline.
Comment: This sequence change replaces cysteine, which is neutral and slightly polar, with tyrosine, which is neutral and polar, at codon 837 of the EVC2 protein (p.Cys837Tyr). The frequency data for this variant in the population databases is considered unreliable, as metrics indicate poor data quality at this position in the gnomAD database. This variant has not been reported in the literature in individuals affected with EVC2-related conditions. ClinVar contains an entry for this variant (Variation ID: 4251539). An algorithm developed to predict the effect of missense changes on protein structure and function (PolyPhen-2) suggests that this variant is likely to be tolerated. In summary, the available evidence is currently insufficient to determine the role of this variant in disease. Therefore, it has been classified as a Variant of Uncertain Significance.

Ambry Genetics
Classification: Uncertain significance for Inborn genetic diseases. Last evaluated: 2025-08-25. Review status: criteria provided, single submitter. Criteria: Ambry Variant Classification Scheme 2023. Collection method: clinical testing. Allele origin: germline.